The following is an entry in ClinVar:

NM_182978.4(GNAL):c.710_713del (p.Asp237fs)

Gene: GNAL (G protein subunit alpha L; plus strand). Cytogenetic location: 18p11.21.
Variant type: Deletion.
Coding change: c.710_713del on transcript NM_182978.4 (MANE Select); coding-DNA positions 710 to 713, 4 bases deleted (ACTG; older notation c.710_713delACTG).
Protein change: p.Asp237fs; shifts the reading frame from aspartic acid 237.
Molecular consequence: frameshift variant.
Genome position (GRCh38, 1-based): chr18:11,825,003-11,825,006, ACTG deleted; deleting any 4 consecutive bases within chr18:11,825,001-11,825,006 gives the same sequence; the c. name uses the placement nearest the transcript's 3' end. VCF-style (leftmost placement, unchanged base first): chr18-11825000-TTGAC-T. GRCh37 (hg19) VCF-style: chr18-11824999-TTGAC-T.
Other names: c.479_482del, p.Asp160fs (NM_001142339.3, NM_001261443.2, NM_001369387.1); short protein forms D160fs, D237fs.
Identifiers: ClinVar variation 1457837 (VCV001457837.6), dbSNP rs2143650879, ClinGen allele CA2573155121.

ClinVar aggregate classification (germline): Pathogenic (1 of 4 stars; one submission).

Conditions:
Dystonic disorder. Also called: Dystonia. Identifiers: MedGen C0013421, MONDO:0003441, HP:0001332.

Submission:

Labcorp Genetics (formerly Invitae), Labcorp
Classification: Pathogenic for Dystonic disorder. Last evaluated: 2021-08-15. Review status: criteria provided, single submitter. Criteria: Invitae Variant Classification Sherloc (09022015). Collection method: clinical testing. Allele origin: germline.
Comment: For these reasons, this variant has been classified as Pathogenic. This premature translational stop signal has been observed in individual(s) with dystonia (Invitae). This variant is not present in population databases (ExAC no frequency). This sequence change creates a premature translational stop signal (p.Asp160Valfs*30) in the GNAL gene. It is expected to result in an absent or disrupted protein product. Loss-of-function variants in GNAL are known to be pathogenic (PMID: 23222958, 27123488).

Literature cited by the submitters: PubMed 23222958; PubMed 27123488.